The following is an entry in ClinVar:

ClinVar aggregate classification (germline): Uncertain significance (1 of 4 stars; one submission).

Conditions:
Hereditary cancer-predisposing syndrome. Also called: Neoplastic Syndromes, Hereditary; Tumor predisposition; Hereditary Cancer Syndrome; Hereditary neoplastic syndrome. Identifiers: Orphanet 140162, MedGen C0027672, MeSH D009386, MONDO:0015356.

Submission:

Ambry Genetics
Classification: Uncertain significance for Hereditary cancer-predisposing syndrome. Last evaluated: 2019-02-08. Review status: criteria provided, single submitter. Criteria: Ambry Variant Classification Scheme 2023. Collection method: clinical testing. Allele origin: germline.
Comment: The c.1978_1980delAAC variant (also known as p.N660del) is located in coding exon 15 of the APC gene. This variant results from an in-frame AAC deletion at nucleotide positions 1978 to 1980. This results in the in-frame deletion of an asparagine at codon 660. This amino acid position is not well conserved in available vertebrate species. Since supporting evidence is limited at this time, the clinical significance of this alteration remains unclear.

NM_000038.6(APC):c.1975AAC[1] (p.Asn660del)

Gene: APC (APC regulator of Wnt signaling pathway; plus strand). Cytogenetic location: 5q22.2.
Variant type: Microsatellite.
Coding change: c.1975AAC[1] on transcript NM_000038.6 (MANE Select); one copy of the 3-base unit AAC starting at c.1975; the reference has two copies in a row; one copy, 3 bases deleted.
Protein change: p.Asn660del; deletes asparagine 660.
Molecular consequence: inframe deletion.
Genome position (GRCh38, 1-based): chr5:112,837,572-112,837,574, AAC deleted; deleting any 3 consecutive bases within chr5:112,837,569-112,837,574 gives the same sequence; the position shown is the placement nearest the transcript's 3' end. VCF-style (leftmost placement, unchanged base first): chr5-112837568-GAAC-G. GRCh37 (hg19) VCF-style: chr5-112173265-GAAC-G.
Other names: c.1975AAC[1], p.Asn660del (NM_001127510.3, NM_001354895.2); c.1921AAC[1], p.Asn642del (NM_001127511.3); c.2029AAC[1], p.Asn678del (NM_001354896.2); c.2005AAC[1], p.Asn670del (NM_001354897.2); c.1900AAC[1], p.Asn635del (NM_001354898.2); c.1891AAC[1], p.Asn632del (NM_001354899.2); c.1852AAC[1], p.Asn619del (NM_001354900.2); c.1798AAC[1], p.Asn601del (NM_001354901.2); and 5 more; short protein forms N534del, N559del, N569del, N635del, N670del, N377del, N632del, N642del.
Identifiers: ClinVar variation 820457 (VCV000820457.4), dbSNP rs1580617103, ClinGen allele CA915942611.